The following is an entry in ClinVar:

ClinVar aggregate classification (germline): Uncertain significance (1 of 4 stars; one submission).

Submission:

Labcorp Genetics (formerly Invitae), Labcorp
Classification: Uncertain significance. Last evaluated: 2022-07-06. Review status: criteria provided, single submitter. Criteria: Invitae Variant Classification Sherloc (09022015). Collection method: clinical testing. Allele origin: germline.
Comment: This sequence change replaces proline, which is neutral and non-polar, with serine, which is neutral and polar, at codon 300 of the SEMA4A protein (p.Pro300Ser). In summary, the available evidence is currently insufficient to determine the role of this variant in disease. Therefore, it has been classified as a Variant of Uncertain Significance. Algorithms developed to predict the effect of missense changes on protein structure and function (SIFT, PolyPhen-2, Align-GVGD) all suggest that this variant is likely to be disruptive. This variant has not been reported in the literature in individuals affected with SEMA4A-related conditions. This variant is not present in population databases (gnomAD no frequency).

NM_022367.4(SEMA4A):c.898C>T (p.Pro300Ser)

Gene: SEMA4A (semaphorin 4A; plus strand). Cytogenetic location: 1q22.
Variant type: single nucleotide variant.
Coding change: c.898C>T on transcript NM_022367.4 (MANE Select); coding-DNA position 898, C replaced by T.
Protein change: p.Pro300Ser; replaces proline 300 with serine.
Molecular consequence: missense variant.
Genome position (GRCh38, 1-based): chr1:156,161,433, C>T. VCF-style: chr1-156161433-C-T. GRCh37 (hg19) VCF-style: chr1-156131224-C-T.
Other names: c.898C>T, p.Pro300Ser (NM_001193300.2, NM_001193301.2, NM_001370567.1); c.502C>T, p.Pro168Ser (NM_001193302.2); c.601C>T, p.Pro201Ser (NM_001370568.1); c.391C>T, p.Pro131Ser (NM_001370569.1, NM_001370571.1); short protein forms P300S, P168S, P131S, P201S.
Identifiers: ClinVar variation 1918854 (VCV001918854.5), dbSNP rs1653646240, ClinGen allele CA342839335.